The following is an entry in ClinVar:

NM_001042492.3(NF1):c.4968del (p.Asp1657fs)

Gene: NF1 (neurofibromin 1; plus strand). Cytogenetic location: 17q11.2.
Variant type: Deletion.
Coding change: c.4968del on transcript NM_001042492.3 (MANE Select); coding-DNA position 4968, one base deleted (A; older notation c.4968delA).
Protein change: p.Asp1657fs; shifts the reading frame from aspartic acid 1657.
Molecular consequence: frameshift variant.
Genome position (GRCh38, 1-based): chr17:31,325,952, A deleted. VCF-style (leftmost placement, unchanged base first): chr17-31325951-CA-C. GRCh37 (hg19) VCF-style: chr17-29652969-CA-C.
Other names: c.4905delA, p.Asp1636Thrfs (NM_000267.4); short protein forms D1636fs, D1657fs.
Identifiers: ClinVar variation 1070988 (VCV001070988.5), dbSNP rs2151537927, ClinGen allele CA2499224158.

ClinVar aggregate classification (germline): Pathogenic (1 of 4 stars; one submission).

Conditions:
Neurofibromatosis, type 1 (NF1). Also called: VON RECKLINGHAUSEN DISEASE; Peripheral type neurofibromatosis; NEUROFIBROMATOSIS, TYPE I, SOMATIC; Neurofibromatosis, type I. Identifiers: Orphanet 636, MedGen C0027831, MONDO:0018975, OMIM 162200. Disease mechanism: loss of function.

Submission:

Labcorp Genetics (formerly Invitae), Labcorp
Classification: Pathogenic for Neurofibromatosis, type 1. Last evaluated: 2020-10-09. Review status: criteria provided, single submitter. Criteria: Invitae Variant Classification Sherloc (09022015). Collection method: clinical testing. Allele origin: germline.
Comment: This sequence change creates a premature translational stop signal (p.Asp1636Thrfs*41) in the NF1 gene. It is expected to result in an absent or disrupted protein product. For these reasons, this variant has been classified as Pathogenic. Loss-of-function variants in NF1 are known to be pathogenic (PMID: 10712197, 23913538). This variant has not been reported in the literature in individuals with NF1-related conditions. This variant is not present in population databases (ExAC no frequency).

Literature cited by the submitters: PubMed 10712197; PubMed 23913538.